The following is an entry in ClinVar:

ClinVar aggregate classification (germline): Likely benign (1 of 4 stars; one submission).

Submission:

CeGaT Center for Human Genetics Tuebingen
Classification: Likely benign. Last evaluated: 2026-09-01. Review status: criteria provided, single submitter. Criteria: CeGaT Center For Human Genetics Tuebingen Variant Classification Criteria Version 2. Collection method: clinical testing. Allele origin: germline. Affected: yes. Observed: 19 variant alleles.
Comment: AHNAK: BP4, BP7

NM_001620.3(AHNAK):c.14427C>T (p.Ile4809=)

Gene: AHNAK (AHNAK nucleoprotein; minus strand). Cytogenetic location: 11q12.3.
Variant type: single nucleotide variant.
Coding change: c.14427C>T on transcript NM_001620.3 (MANE Select); coding-DNA position 14427, C replaced by T.
Protein change: p.Ile4809=; no amino-acid change (isoleucine 4809 retained).
Molecular consequence: synonymous variant. On other transcripts: intron variant (1).
Genome position (GRCh38, 1-based): chr11:62,519,990, G>A on the plus strand (C>T on the coding strand, the complement: AHNAK is on the minus strand). VCF-style: chr11-62519990-G-A. GRCh37 (hg19) VCF-style: chr11-62287462-G-A.
Other names: c.14427C>T, p.Ile4809= (NM_001346445.2, NM_001346446.2); c.342+15013C>T (NM_024060.4).
Identifiers: ClinVar variation 2641855 (VCV002641855.24), dbSNP rs199992585, ClinGen allele CA6044228.